The following is an entry in ClinVar:

NM_006842.3(SF3B2):c.2007C>A (p.Gly669=)

Gene: SF3B2 (splicing factor 3b subunit 2; plus strand). Cytogenetic location: 11q13.1.
Variant type: single nucleotide variant.
Coding change: c.2007C>A on transcript NM_006842.3 (MANE Select); coding-DNA position 2007, C replaced by A.
Protein change: p.Gly669=; no amino-acid change (glycine 669 retained).
Molecular consequence: synonymous variant.
Genome position (GRCh38, 1-based): chr11:66,063,038, C>A. VCF-style: chr11-66063038-C-A. GRCh37 (hg19) VCF-style: chr11-65830509-C-A.
Identifiers: ClinVar variation 4281515 (VCV004281515.7).

ClinVar aggregate classification (germline): Likely benign (1 of 4 stars; one submission).

Submission:

CeGaT Center for Human Genetics Tuebingen
Classification: Likely benign. Last evaluated: 2025-09-01. Review status: criteria provided, single submitter. Criteria: CeGaT Center For Human Genetics Tuebingen Variant Classification Criteria Version 2. Collection method: clinical testing. Allele origin: germline. Affected: yes. Observed: 1 variant allele.
Comment: SF3B2: PM2:Supporting, BP4, BP7